The following is an entry in ClinVar:

ClinVar aggregate classification (germline): Likely pathogenic (1 of 4 stars; one submission).

Conditions:
Inborn genetic diseases. Identifiers: MedGen C0950123, MeSH D030342.

Submission:

Ambry Genetics
Classification: Likely pathogenic for Inborn genetic diseases. Last evaluated: 2021-08-20. Review status: criteria provided, single submitter. Criteria: Ambry Variant Classification Scheme 2023. Collection method: clinical testing. Allele origin: germline.
Comment: The c.158_159insA (p.Y54Lfs*35) alteration, located in exon 1 (coding exon 1) of the DLG3 gene, consists of an insertion of A at position 158, causing a translational frameshift with a predicted alternate stop codon after 35 amino acids. This alteration is expected to result in loss of function by premature protein truncation or nonsense-mediated mRNA decay. This variant was not reported in population-based cohorts in the Genome Aggregation Database (gnomAD). Based on the available evidence, this alteration is classified as likely pathogenic.

NM_021120.4(DLG3):c.158_159insA (p.Tyr54fs)

Gene: DLG3 (discs large MAGUK scaffold protein 3; plus strand). Cytogenetic location: Xq13.1.
Variant type: Insertion.
Coding change: c.158_159insA on transcript NM_021120.4 (MANE Select); coding-DNA positions 158 to 159, A inserted.
Protein change: p.Tyr54fs; shifts the reading frame from tyrosine 54.
Molecular consequence: frameshift variant.
Genome position: GRCh38 VCF-style: chrX-70445359-G-GA. GRCh37 (hg19) VCF-style: chrX-69665209-G-GA.
Other names: short protein forms Y54fs.
Identifiers: ClinVar variation 2237115 (VCV002237115.2), dbSNP rs2519725228, ClinGen allele CA2580101306.